The following is an entry in ClinVar:

NM_003331.5(TYK2):c.1642C>T (p.Arg548Cys)

Gene: TYK2 (tyrosine kinase 2; minus strand). Cytogenetic location: 19p13.2.
Variant type: single nucleotide variant.
Coding change: c.1642C>T on transcript NM_003331.5 (MANE Select); coding-DNA position 1642, C replaced by T.
Protein change: p.Arg548Cys; replaces arginine 548 with cysteine.
Molecular consequence: missense variant.
Genome position (GRCh38, 1-based): chr19:10,362,291, G>A on the plus strand (C>T on the coding strand, the complement: TYK2 is on the minus strand). VCF-style: chr19-10362291-G-A. GRCh37 (hg19) VCF-style: chr19-10472967-G-A.
Other names: c.1642C>T, p.Arg548Cys (NM_001385197.1, NM_001385198.1, NM_001385199.1 and 5 more transcripts); c.1444C>T, p.Arg482Cys (NM_001385201.1); c.1552C>T, p.Arg518Cys (NM_001385205.1); c.1516C>T, p.Arg506Cys (NM_001385206.1); short protein forms R482C, R506C, R518C, R548C.
Identifiers: ClinVar variation 1468922 (VCV001468922.5), dbSNP rs772532784, ClinGen allele CA9193362.

ClinVar aggregate classification (germline): Uncertain significance (1 of 4 stars; one submission).

Conditions:
Immunodeficiency 35 (IMD35). Also called: TYK2 DEFICIENCY; HIES WITH ATYPICAL MYCOBACTERIOSIS, AUTOSOMAL RECESSIVE; HYPER-IgE SYNDROME WITH ATYPICAL MYCOBACTERIOSIS, AUTOSOMAL RECESSIVE; Susceptibility to infection due to TYK2 deficiency. Identifiers: Orphanet 331226, MedGen C1969086, MONDO:0012682, OMIM 611521.

Allele frequency attached by ClinVar (database versions not stated): gnomAD exomes below 0.00001 and 0.00001; ExAC 0.00001; gnomAD 0.00001; TOPMed 0.00001.
gnomAD v4.1: 20 of 1,614,024 alleles (0.0012%); highest among the groups gnomAD compares: Admixed American, 0.0017%; no homozygotes.

Submission:

Labcorp Genetics (formerly Invitae), Labcorp
Classification: Uncertain significance for Immunodeficiency 35. Last evaluated: 2024-11-10. Review status: criteria provided, single submitter. Criteria: Invitae Variant Classification Sherloc (09022015). Collection method: clinical testing. Allele origin: germline.
Comment: This sequence change replaces arginine, which is basic and polar, with cysteine, which is neutral and slightly polar, at codon 548 of the TYK2 protein (p.Arg548Cys). This variant is present in population databases (rs772532784, gnomAD 0.002%). This variant has not been reported in the literature in individuals affected with TYK2-related conditions. ClinVar contains an entry for this variant (Variation ID: 1468922). Invitae Evidence Modeling of protein sequence and biophysical properties (such as structural, functional, and spatial information, amino acid conservation, physicochemical variation, residue mobility, and thermodynamic stability) indicates that this missense variant is not expected to disrupt TYK2 protein function with a negative predictive value of 80%. In summary, the available evidence is currently insufficient to determine the role of this variant in disease. Therefore, it has been classified as a Variant of Uncertain Significance.